The following is an entry in ClinVar:

NM_000092.5(COL4A4):c.4153C>T (p.Pro1385Ser)

Gene: COL4A4 (collagen type IV alpha 4 chain; minus strand). Cytogenetic location: 2q36.3.
Variant type: single nucleotide variant.
Coding change: c.4153C>T on transcript NM_000092.5 (MANE Select); coding-DNA position 4153, C replaced by T.
Protein change: p.Pro1385Ser; replaces proline 1385 with serine.
Molecular consequence: missense variant.
Genome position (GRCh38, 1-based): chr2:227,022,111, G>A on the plus strand (C>T on the coding strand, the complement: COL4A4 is on the minus strand). VCF-style: chr2-227022111-G-A. GRCh37 (hg19) VCF-style: chr2-227886827-G-A.
Other names: short protein forms P1385S.
Identifiers: ClinVar variation 1494903 (VCV001494903.6), dbSNP rs2149853379, ClinGen allele CA350836758.

ClinVar aggregate classification (germline): Uncertain significance (1 of 4 stars; one submission).

Submission:

Labcorp Genetics (formerly Invitae), Labcorp
Classification: Uncertain significance. Last evaluated: 2025-04-28. Review status: criteria provided, single submitter. Criteria: Invitae Variant Classification Sherloc (09022015). Collection method: clinical testing. Allele origin: germline.
Comment: This sequence change replaces proline, which is neutral and non-polar, with serine, which is neutral and polar, at codon 1385 of the COL4A4 protein (p.Pro1385Ser). This variant is not present in population databases (gnomAD no frequency). This variant has not been reported in the literature in individuals affected with COL4A4-related conditions. ClinVar contains an entry for this variant (Variation ID: 1494903). Invitae Evidence Modeling of protein sequence and biophysical properties (such as structural, functional, and spatial information, amino acid conservation, physicochemical variation, residue mobility, and thermodynamic stability) indicates that this missense variant is not expected to disrupt COL4A4 protein function with a negative predictive value of 95%. In summary, the available evidence is currently insufficient to determine the role of this variant in disease. Therefore, it has been classified as a Variant of Uncertain Significance.